The following is an entry in ClinVar:

ClinVar aggregate classification (germline): Uncertain significance (1 of 4 stars; one submission).

Submission:

Labcorp Genetics (formerly Invitae), Labcorp
Classification: Uncertain significance. Last evaluated: 2025-04-29. Review status: criteria provided, single submitter. Criteria: Invitae Variant Classification Sherloc (09022015). Collection method: clinical testing. Allele origin: germline.
Comment: This sequence change replaces serine, which is neutral and polar, with phenylalanine, which is neutral and non-polar, at codon 17 of the POC5 protein (p.Ser17Phe). This variant is not present in population databases (gnomAD no frequency). This variant has not been reported in the literature in individuals affected with POC5-related conditions. An algorithm developed to predict the effect of missense changes on protein structure and function (PolyPhen-2) suggests that this variant is likely to be disruptive. In summary, the available evidence is currently insufficient to determine the role of this variant in disease. Therefore, it has been classified as a Variant of Uncertain Significance.

NM_001099271.2(POC5):c.50C>T (p.Ser17Phe)

Gene: POC5 (POC5 centriolar protein; minus strand). Cytogenetic location: 5q13.3.
Variant type: single nucleotide variant.
Coding change: c.50C>T on transcript NM_001099271.2 (MANE Select); coding-DNA position 50, C replaced by T.
Protein change: p.Ser17Phe; replaces serine 17 with phenylalanine.
Molecular consequence: missense variant.
Genome position (GRCh38, 1-based): chr5:75,712,888, G>A on the plus strand (C>T on the coding strand, the complement: POC5 is on the minus strand). VCF-style: chr5-75712888-G-A. GRCh37 (hg19) VCF-style: chr5-75008713-G-A.
Other names: short protein forms S17F.
Identifiers: ClinVar variation 4760192 (VCV004760192.1).
Genomic context (GRCh38, chr5:75,712,888, plus strand): 5'-TGGTAAATTTAGAAATTTTTTCCTACCTGAAGATTCGAAGAGACAGAACTGCCTCGACTG[G>A]AGTCATTTTGCACAACTGGAAGTGAGTATTTCTCCTCATCTGATGACATTCTGCACAAAT-3'
Protein context (NP_001092741.1, residues 7-27): KYSLPVVQND[Ser17Phe]SRGSSVSSNL